The following is an entry in ClinVar:

NM_000492.4(CFTR):c.1821G>A (p.Met607Ile)

Gene: CFTR (CF transmembrane conductance regulator; plus strand). Cytogenetic location: 7q31.2.
Variant type: single nucleotide variant.
Coding change: c.1821G>A on transcript NM_000492.4 (MANE Select); coding-DNA position 1821, G replaced by A.
Protein change: p.Met607Ile; replaces methionine 607 with isoleucine.
Molecular consequence: missense variant.
Genome position (GRCh38, 1-based): chr7:117,591,988, G>A. VCF-style: chr7-117591988-G-A. GRCh37 (hg19) VCF-style: chr7-117232042-G-A.
Other names: short protein forms M607I.
Identifiers: ClinVar variation 1780773 (VCV001780773.2), dbSNP rs1792032500, ClinGen allele CA368978154.

ClinVar aggregate classification (germline): Uncertain significance (1 of 4 stars; one submission).

Conditions:
Cystic fibrosis (CF). Also called: MUCOVISCIDOSIS. Identifiers: Orphanet 586, MedGen C0010674, MONDO:0009061, OMIM 219700. Disease mechanism: loss of function.

Allele frequency attached by ClinVar (database versions not stated): gnomAD exomes below 0.00001; gnomAD 0.00001.
gnomAD v4.1: 4 of 1,597,154 alleles (0.00025%); highest among the groups gnomAD compares: South Asian, 0.0035%; no homozygotes.

Submission:

Ambry Genetics
Classification: Uncertain significance for Cystic fibrosis. Last evaluated: 2021-12-04. Review status: criteria provided, single submitter. Criteria: Ambry Variant Classification Scheme 2023. Collection method: clinical testing. Allele origin: germline.
Comment: The p.M607I variant (also known as c.1821G>A), located in coding exon 14 of the CFTR gene, results from a G to A substitution at nucleotide position 1821. The methionine at codon 607 is replaced by isoleucine, an amino acid with highly similar properties. This amino acid position is conserved. In addition, the in silico prediction for this alteration is inconclusive. Since supporting evidence is limited at this time, the clinical significance of this alteration remains unclear.